The following is an entry in ClinVar:

ClinVar aggregate classification (germline): Likely pathogenic (1 of 4 stars; one submission).

Conditions:
Combined oxidative phosphorylation defect type 20. Also called: Combined oxidative phosphorylation deficiency 20. Identifiers: Orphanet 420728, MedGen C4014660, MONDO:0014397, OMIM 615917.

gnomAD v4.1: 1 of 1,612,922 alleles (0.000062%); highest among the groups gnomAD compares: Non-Finnish European, 0.000085%; no homozygotes.

Submission:

Juno Genomics, Hangzhou Juno Genomics, Inc
Classification: Likely pathogenic for Combined oxidative phosphorylation defect type 20. Review status: criteria provided, single submitter. Criteria: ACMG Guidelines, 2015. Collection method: clinical testing. Allele origin: germline.
Comment: Null variant in a gene where loss of function (LOF) is a known mechanism of disease.;Absent from controls (or at extremely low frequency if recessive) in Genome Aggregation Database.

NM_020442.6(VARS2):c.986-2A>G

Gene: VARS2 (valyl-tRNA synthetase 2, mitochondrial; plus strand). Cytogenetic location: 6p21.33.
Variant type: single nucleotide variant.
Coding change: c.986-2A>G on transcript NM_020442.6 (MANE Select); the canonical splice acceptor site of the intron before coding-DNA position 986, A replaced by G.
Molecular consequence: splice acceptor variant.
Genome position (GRCh38, 1-based): chr6:30,918,825, A>G. VCF-style: chr6-30918825-A-G. GRCh37 (hg19) VCF-style: chr6-30886602-A-G.
Other names: c.1076-2A>G (NM_001167734.2); c.566-2A>G (NM_001167733.3).
Identifiers: ClinVar variation 5007011 (VCV005007011.2).